The following is an entry in ClinVar:

NM_000145.4(FSHR):c.987G>T (p.Thr329=)

Gene: FSHR (follicle stimulating hormone receptor; minus strand). Cytogenetic location: 2p16.3.
Variant type: single nucleotide variant.
Coding change: c.987G>T on transcript NM_000145.4 (MANE Select); coding-DNA position 987, G replaced by T.
Protein change: p.Thr329=; no amino-acid change (threonine 329 retained).
Molecular consequence: synonymous variant.
Genome position (GRCh38, 1-based): chr2:48,963,834, C>A on the plus strand (G>T on the coding strand, the complement: FSHR is on the minus strand). VCF-style: chr2-48963834-C-A. GRCh37 (hg19) VCF-style: chr2-49190973-C-A.
Other names: c.909G>T, p.Thr303= (NM_181446.3).
Identifiers: ClinVar variation 3041769 (VCV003041769.2), dbSNP rs6168, ClinGen allele CA1653736.
Genomic context (GRCh38, chr2:48,963,834, plus strand): 5'-CTTAGGGGAGCAGGTCACGTCAACCACTTCATTGCATAAGTCATAGTCAAACTCAGTGTA[C>A]GTCATGTCAAATCCTCTGCTGTAGCTGGACTCATTGTCTTCTGCCAGAGAGGATCTCTGA-3'
Protein context (NP_000136.2, residues 319-339): ESSYSRGFDM[Thr329=]YTEFDYDLCN

ClinVar aggregate classification (germline): Likely benign (0 of 4 stars; one submission).

Conditions:
FSHR-related disorder. Also called: FSHR-related disorders; FSHR-related condition.

gnomAD v4.1: 8 of 1,613,990 alleles (0.0005%); highest among the groups gnomAD compares: Middle Eastern, 0.016%; no homozygotes.

Submission:

PreventionGenetics, part of Exact Sciences
Classification: Likely benign for FSHR-related condition. Last evaluated: 2019-05-15. Review status: no assertion criteria provided. Collection method: clinical testing. Allele origin: germline.
Comment: This variant is classified as likely benign based on ACMG/AMP sequence variant interpretation guidelines (Richards et al. 2015 PMID: 25741868, with internal and published modifications).